The following is an entry in ClinVar:

ClinVar aggregate classification (germline): Pathogenic/Likely pathogenic. Review status: criteria provided, multiple submitters, no conflicts (2 of 4 stars). 10 submissions from 10 submitters: Pathogenic (7); Likely pathogenic (1). 2 of the submissions do not count toward it. Last evaluated 2026-03-14.

Conditions:
CYP11B1-related disorder. Also called: CYP11B1-related condition.
Glucocorticoid-remediable aldosteronism. Also called: Hyperaldosteronism, familial, type I; ACTH-DEPENDENT HYPERALDOSTERONISM SYNDROME; ALDOSTERONISM, SENSITIVE TO DEXAMETHASONE; FH I; GLUCOCORTICOID-SUPPRESSIBLE HYPERALDOSTERONISM. Identifiers: Orphanet 403, MedGen C3838731, MONDO:0007080, OMIM 103900.
Deficiency of steroid 11-beta-monooxygenase (CYP11B1). Also called: P450C11B1 DEFICIENCY; ADRENAL HYPERPLASIA IV; 11-BETA-HYDROXYLASE DEFICIENCY; STEROID 11-BETA-HYDROXYLASE DEFICIENCY; ADRENAL HYPERPLASIA, CONGENITAL, DUE TO STEROID 11-BETA-HYDROXYLASE DEFICIENCY; Congenital adrenal hyperplasia due to 11-beta-hydroxylase deficiency. Identifiers: Orphanet 90795, MedGen C0268292, MONDO:0008729, OMIM 202010. Disease mechanism: loss of function.

Allele frequency attached by ClinVar (database versions not stated): gnomAD exomes below 0.00001; gnomAD 0.00001; TOPMed 0.00002.

Submissions (10):

GeneDx
Classification: Likely pathogenic. Last evaluated: 2026-03-14. Review status: criteria provided, single submitter. Criteria: GeneDx Variant Classification Process June 2021. Collection method: clinical testing. Allele origin: germline.
Comment: Nonsense variant predicted to result in protein truncation or nonsense mediated decay in a gene for which loss of function is a known mechanism of disease; This variant is associated with the following publications: (PMID: 25525159, 8506298, 26476331, 9302260, 39843441)

Labcorp Genetics (formerly Invitae), Labcorp
Classification: Pathogenic. Last evaluated: 2026-01-03. Review status: criteria provided, single submitter. Criteria: Invitae Variant Classification Sherloc (09022015). Collection method: clinical testing. Allele origin: germline.
Comment: This sequence change creates a premature translational stop signal (p.Tyr423*) in the CYP11B1 gene. It is expected to result in an absent or disrupted protein product. Loss-of-function variants in CYP11B1 are known to be pathogenic (PMID: 8506298, 26476331). This variant is present in population databases (rs267606755, gnomAD 0.004%). This premature translational stop signal has been observed in individual(s) with non-classic 11-beta-hydroxylase deficiency (PMID: 9302260). ClinVar contains an entry for this variant (Variation ID: 1185). Algorithms developed to predict the effect of sequence changes on RNA splicing suggest that this variant may disrupt the consensus splice site. For these reasons, this variant has been classified as Pathogenic.

Fulgent Genetics
Classification: Pathogenic for Glucocorticoid-remediable aldosteronism; Deficiency of steroid 11-beta-monooxygenase. Last evaluated: 2024-05-29. Review status: criteria provided, single submitter. Criteria: ACMG Guidelines, 2015. Collection method: clinical testing. Allele origin: germline.

Baylor Genetics
Classification: Pathogenic for Deficiency of steroid 11-beta-monooxygenase. Last evaluated: 2024-03-11. Review status: criteria provided, single submitter. Criteria: ACMG Guidelines, 2015. Collection method: clinical testing. Allele origin: unknown.

PreventionGenetics, part of Exact Sciences
Classification: Pathogenic for CYP11B1-related condition. Last evaluated: 2022-11-18. Review status: criteria provided, single submitter. Criteria: ACMG Guidelines, 2015. Collection method: clinical testing. Allele origin: germline.
Comment: The CYP11B1 c.1269T>G variant is predicted to result in premature protein termination (p.Tyr423*). This variant was reported in an individual with steroid-11 beta-hydroxylase deficiency (Joehrer et al. 1997. PubMed ID: 9302260). This variant is reported in 0.0015% of alleles in individuals of European (Non-Finnish) descent in gnomAD. Nonsense variants in CYP11B1 are expected to be pathogenic. This variant is interpreted as pathogenic.

3billion
Classification: Pathogenic for Deficiency of steroid 11-beta-monooxygenase. Last evaluated: 2022-09-01. Review status: criteria provided, single submitter. Criteria: ACMG Guidelines, 2015. Collection method: clinical testing. Allele origin: germline. Affected: yes. Observed: 1 homozygote.
Comment: The variant is observed at an extremely low frequency in the gnomAD v2.1.1 dataset (total allele frequency: <0.001%). Stop-gained (nonsense) is predicted to result in a loss or disruption of normal protein function through nonsense-mediated decay (NMD) or protein truncation. Multiple pathogenic variants are reported downstream of the variant. The variant has been reported at least twice as pathogenic with clinical assertions and evidence for the classification (ClinVar ID: VCV000001185 / PMID: 9302260). Therefore, this variant is classified as Pathogenic according to the recommendation of ACMG/AMP guideline.

Blueprint Genetics
Classification: Pathogenic for CYP11B1-related disorders. Last evaluated: 2020-11-12. Review status: criteria provided, single submitter. Criteria: ACMG Guidelines, 2015. Collection method: clinical testing. Allele origin: germline. Affected: yes. Observed: 5 variant alleles.

Laboratory for Molecular Medicine, Mass General Brigham Personalized Medicine
Classification: Pathogenic for Deficiency of steroid 11-beta-monooxygenase. Last evaluated: 2018-06-27. Review status: criteria provided, single submitter. Criteria: LMM Criteria. Collection method: clinical testing. Allele origin: germline. Inheritance: Autosomal recessive inheritance. Observed: 1 variant allele.
Comment: The p.Tyr423X variant in CYP11B1 has been reported in the compound heterozygote state in 1 individual with non-classic adrenal hyperplasia due to 11 beta-hydrox ylase deficiency (Joehrer 1997). This variant has been identified in 2/126704 Eu ropean chromosomes by the Genome Aggregation Database (gnomAD; dbSNP rs267606755). This nonsense variant leads to a premature termination codon at position 423 which is predicted to lead to a truncated or a bsent protein. In summary, this variant meets criteria to be classified as patho genic for non-classic adrenal hyperplasia due to 11 beta-hydroxylase deficiency in an autosomal recessive manner based upon a case report, low frequency in con trols and predicted impact on protein. Criteria applied: PVS1, PM2, PM3_Supporti ng.

Counsyl
Classification: Likely pathogenic for Deficiency of steroid 11-beta-monooxygenase. Last evaluated: 2017-03-15. Review status: no assertion criteria provided. Collection method: clinical testing. Allele origin: unknown. Not counted in ClinVar's aggregate classification.

OMIM
Classification: Pathogenic for ADRENAL HYPERPLASIA, CONGENITAL, DUE TO STEROID 11-BETA-HYDROXYLASE DEFICIENCY. Last evaluated: 1997-10-01. Review status: no assertion criteria provided. Collection method: literature only. Allele origin: germline. Not counted in ClinVar's aggregate classification.

Literature cited by the submitters: PubMed 8506298 (cited by Labcorp Genetics (formerly Invitae), Labcorp); PubMed 26476331 (cited by Labcorp Genetics (formerly Invitae), Labcorp); PubMed 9302260 (cited by 5 submitters).

NM_000497.4(CYP11B1):c.1269T>G (p.Tyr423Ter)

Genes: CYP11B1 (cytochrome P450 family 11 subfamily B member 1; minus strand), LOC106799833 (CYP11B1 recombination region; plus strand). Cytogenetic location: 8q24.3.
Variant type: single nucleotide variant.
Coding change: c.1269T>G on transcript NM_000497.4 (MANE Select); coding-DNA position 1269, T replaced by G.
Protein change: p.Tyr423Ter; replaces tyrosine 423 with a stop codon.
Molecular consequence: nonsense. On other transcripts: intron variant (1).
Genome position (GRCh38, 1-based): chr8:142,875,086, A>C on the plus strand (T>G on the coding strand, the complement: CYP11B1 is on the minus strand). VCF-style: chr8-142875086-A-C. GRCh37 (hg19) VCF-style: chr8-143956502-A-C.
Other names: c.1200+148T>G (NM_001026213.1); short protein forms Y423*.
Identifiers: ClinVar variation 1185 (VCV000001185.20), dbSNP rs267606755, ClinGen allele CA339882.